The following is an entry in ClinVar:

ClinVar aggregate classification (germline): Uncertain significance (0 of 4 stars; one submission).

Conditions:
BRCA1-related disorder. Also called: BRCA1-related condition.

Submission:

PreventionGenetics, part of Exact Sciences
Classification: Uncertain significance for BRCA1-related condition. Last evaluated: 2025-05-20. Review status: no assertion criteria provided. Collection method: clinical testing. Allele origin: germline.
Comment: To our knowledge, this variant has not been reported in the literature or in a large population database (gnomAD), indicating this variant is rare. Nonsense variants in BRCA1 are expected to be pathogenic. However, this variant occurs within exon 8, which is absent in a naturally occurring BRCA1 isoform which skips exons 8 and 9; this isoform has been identified in blood and breast tissue samples of healthy individuals (Colombo et al. 2014. PubMed ID: 24569164). Therefore, at this time, the clinical significance of this variant is uncertain due to the absence of conclusive functional and genetic evidence.

NM_007294.4(BRCA1):c.611T>A (p.Leu204Ter)

Gene: BRCA1 (BRCA1 DNA repair associated; minus strand). Cytogenetic location: 17q21.31.
Variant type: single nucleotide variant.
Coding change: c.611T>A on transcript NM_007294.4 (MANE Select); coding-DNA position 611, T replaced by A.
Protein change: p.Leu204Ter; replaces leucine 204 with a stop codon.
Molecular consequence: nonsense. On other transcripts: intron variant (115).
Genome position (GRCh38, 1-based): chr17:43,095,905, A>T on the plus strand (T>A on the coding strand, the complement: BRCA1 is on the minus strand). VCF-style: chr17-43095905-A-T. GRCh37 (hg19) VCF-style: chr17-41247922-A-T.
Other names: c.398T>A, p.Leu133Ter (NM_001407571.1, NM_001407853.1, NM_001407894.1 and 12 more transcripts); c.611T>A, p.Leu204Ter (NM_001407581.1, NM_001407582.1, NM_001407583.1 and 58 more transcripts); c.608T>A, p.Leu203Ter (NM_001407587.1, NM_001407590.1, NM_001407591.1 and 41 more transcripts); c.602T>A, p.Leu201Ter (NM_001407646.1, NM_001407647.1, NM_001408408.1); c.533T>A, p.Leu178Ter (NM_001407653.1, NM_001407654.1, NM_001407655.1 and 9 more transcripts); c.530T>A, p.Leu177Ter (NM_001407659.1, NM_001407660.1, NM_001407661.1 and 3 more transcripts); c.470T>A, p.Leu157Ter (NM_001407692.1, NM_001407694.1, NM_001407695.1 and 43 more transcripts); c.467T>A, p.Leu156Ter (NM_001407740.1, NM_001407741.1, NM_001407742.1 and 26 more transcripts); and 17 more; short protein forms L133*, L134*, L156*, L157*, L159*, L177*, L178*, L201*.
Identifiers: ClinVar variation 3350129 (VCV003350129.2).